The following is an entry in ClinVar:

ClinVar aggregate classification (germline): Uncertain significance (1 of 4 stars; one submission).

Conditions:
Glycine encephalopathy. Also called: Non-ketotic hyperglycinemia; Nonketotic hyperglycinemia. Identifiers: Orphanet 407, MedGen C0751748, MONDO:0011612, HP:0008288.

Submission:

Labcorp Genetics (formerly Invitae), Labcorp
Classification: Uncertain significance for Glycine encephalopathy. Last evaluated: 2021-09-01. Review status: criteria provided, single submitter. Criteria: Invitae Variant Classification Sherloc (09022015). Collection method: clinical testing. Allele origin: germline.
Comment: This sequence change replaces threonine with isoleucine at codon 908 of the GLDC protein (p.Thr908Ile). The threonine residue is highly conserved and there is a moderate physicochemical difference between threonine and isoleucine. This variant is not present in population databases (ExAC no frequency). This variant has not been reported in the literature in individuals affected with GLDC-related conditions. Advanced modeling of protein sequence and biophysical properties (such as structural, functional, and spatial information, amino acid conservation, physicochemical variation, residue mobility, and thermodynamic stability) performed at Invitae indicates that this missense variant is expected to disrupt GLDC protein function. In summary, the available evidence is currently insufficient to determine the role of this variant in disease. Therefore, it has been classified as a Variant of Uncertain Significance.

NM_000170.3(GLDC):c.2723C>T (p.Thr908Ile)

Gene: GLDC (glycine decarboxylase; minus strand). Cytogenetic location: 9p24.1.
Variant type: single nucleotide variant.
Coding change: c.2723C>T on transcript NM_000170.3 (MANE Select); coding-DNA position 2723, C replaced by T.
Protein change: p.Thr908Ile; replaces threonine 908 with isoleucine.
Molecular consequence: missense variant.
Genome position (GRCh38, 1-based): chr9:6,536,179, G>A on the plus strand (C>T on the coding strand, the complement: GLDC is on the minus strand). VCF-style: chr9-6536179-G-A. GRCh37 (hg19) VCF-style: chr9-6536179-G-A.
Other names: short protein forms T908I.
Identifiers: ClinVar variation 1940595 (VCV001940595.2), dbSNP rs2489011489, ClinGen allele CA372882806.